The following is an entry in ClinVar:

NM_004336.5(BUB1):c.1933A>G (p.Met645Val)

Gene: BUB1 (BUB1 mitotic checkpoint serine/threonine kinase; minus strand). Cytogenetic location: 2q13.
Variant type: single nucleotide variant.
Coding change: c.1933A>G on transcript NM_004336.5 (MANE Select); coding-DNA position 1933, A replaced by G.
Protein change: p.Met645Val; replaces methionine 645 with valine.
Molecular consequence: missense variant.
Genome position (GRCh38, 1-based): chr2:110,653,467, T>C on the plus strand (A>G on the coding strand, the complement: BUB1 is on the minus strand). VCF-style: chr2-110653467-T-C. GRCh37 (hg19) VCF-style: chr2-111411044-T-C.
Other names: c.1873A>G, p.Met625Val (NM_001278616.2); c.1933A>G, p.Met645Val (NM_001278617.2); short protein forms M625V, M645V.
Identifiers: ClinVar variation 3482995 (VCV003482995.3).

ClinVar aggregate classification (germline): Uncertain significance. Review status: criteria provided, multiple submitters, no conflicts (2 of 4 stars). 2 submissions from 2 submitters: Uncertain significance (2). Last evaluated 2025-01-14.

gnomAD v4.1: 1 of 1,613,956 alleles (0.000062%); highest among the groups gnomAD compares: Non-Finnish European, 0.000085%; no homozygotes.

Submissions (2):

Labcorp Genetics (formerly Invitae), Labcorp
Classification: Uncertain significance. Last evaluated: 2025-01-14. Review status: criteria provided, single submitter. Criteria: Invitae Variant Classification Sherloc (09022015). Collection method: clinical testing. Allele origin: germline.
Comment: This sequence change replaces methionine, which is neutral and non-polar, with valine, which is neutral and non-polar, at codon 645 of the BUB1 protein (p.Met645Val). This variant is not present in population databases (gnomAD no frequency). This variant has not been reported in the literature in individuals affected with BUB1-related conditions. An algorithm developed to predict the effect of missense changes on protein structure and function outputs the following: PolyPhen-2: "Not Available". The valine amino acid residue is found in multiple mammalian species, which suggests that this missense change does not adversely affect protein function. In summary, the available evidence is currently insufficient to determine the role of this variant in disease. Therefore, it has been classified as a Variant of Uncertain Significance.

Ambry Genetics
Classification: Uncertain significance. Last evaluated: 2024-06-25. Review status: criteria provided, single submitter. Criteria: Ambry Variant Classification Scheme 2023. Collection method: clinical testing. Allele origin: germline.
Comment: The p.M645V variant (also known as c.1933A>G), located in coding exon 17 of the BUB1 gene, results from an A to G substitution at nucleotide position 1933. The methionine at codon 645 is replaced by valine, an amino acid with highly similar properties. This amino acid position is conserved. In addition, this alteration is predicted to be tolerated by in silico analysis. Based on the available evidence, the clinical significance of this variant remains unclear.